The following is an entry in ClinVar:

NM_000702.4(ATP1A2):c.1417C>A (p.Pro473Thr)

Gene: ATP1A2 (ATPase Na+/K+ transporting subunit alpha 2; plus strand). Cytogenetic location: 1q23.2.
Variant type: single nucleotide variant.
Coding change: c.1417C>A on transcript NM_000702.4 (MANE Select); coding-DNA position 1417, C replaced by A.
Protein change: p.Pro473Thr; replaces proline 473 with threonine.
Molecular consequence: missense variant.
Genome position (GRCh38, 1-based): chr1:160,129,356, C>A. VCF-style: chr1-160129356-C-A. GRCh37 (hg19) VCF-style: chr1-160099146-C-A.
Other names: short protein forms P473T.
Identifiers: ClinVar variation 1061352 (VCV001061352.9), dbSNP rs1045596574, ClinGen allele CA343242196.
Genomic context (GRCh38, chr1:160,129,356, plus strand): 5'-GCTCTGCTCAAGTGCATTGAGCTCTCCTGTGGCTCAGTGAGGAAAATGAGAGACAGAAAC[C>A]CCAAGGTGGCAGAGATTCCTTTCAACTCTACCAACAAGTACCAGGTCTGCTTGGGTTGCC-3'
Protein context (NP_000693.1, residues 463-483): GSVRKMRDRN[Pro473Thr]KVAEIPFNST

ClinVar aggregate classification (germline): Uncertain significance (1 of 4 stars; one submission).

Conditions:
Familial hemiplegic migraine. Identifiers: MedGen C0338484, MONDO:0000700.

Allele frequency attached by ClinVar (database versions not stated): TOPMed below 0.00001.
gnomAD v4.1: 4 of 1,614,112 alleles (0.00025%); highest among the groups gnomAD compares: Non-Finnish European, 0.00034%; no homozygotes.

Submission:

Labcorp Genetics (formerly Invitae), Labcorp
Classification: Uncertain significance for Familial hemiplegic migraine. Last evaluated: 2026-01-24. Review status: criteria provided, single submitter. Criteria: Invitae Variant Classification Sherloc (09022015). Collection method: clinical testing. Allele origin: germline.
Comment: This sequence change replaces proline, which is neutral and non-polar, with threonine, which is neutral and polar, at codon 473 of the ATP1A2 protein (p.Pro473Thr). This variant is not present in population databases (gnomAD no frequency). This variant has not been reported in the literature in individuals affected with ATP1A2-related conditions. ClinVar contains an entry for this variant (Variation ID: 1061352). Invitae Evidence Modeling of protein sequence and biophysical properties (such as structural, functional, and spatial information, amino acid conservation, physicochemical variation, residue mobility, and thermodynamic stability) indicates that this missense variant is not expected to disrupt ATP1A2 protein function with a negative predictive value of 80%. In summary, the available evidence is currently insufficient to determine the role of this variant in disease. Therefore, it has been classified as a Variant of Uncertain Significance.